The following is an entry in ClinVar:

NM_024753.5(TTC21B):c.2224A>G (p.Ile742Val)

Gene: TTC21B (tetratricopeptide repeat domain 21B; minus strand). Cytogenetic location: 2q24.3.
Variant type: single nucleotide variant.
Coding change: c.2224A>G on transcript NM_024753.5 (MANE Select); coding-DNA position 2224, A replaced by G.
Protein change: p.Ile742Val; replaces isoleucine 742 with valine.
Molecular consequence: missense variant.
Genome position (GRCh38, 1-based): chr2:165,912,612, T>C on the plus strand (A>G on the coding strand, the complement: TTC21B is on the minus strand). VCF-style: chr2-165912612-T-C. GRCh37 (hg19) VCF-style: chr2-166769122-T-C.
Other names: c.2224A>G (NM_024753.3, NM_024753.4); short protein forms I742V.
Identifiers: ClinVar variation 1445459 (VCV001445459.7), dbSNP rs147222434, ClinGen allele CA1941889.
Genomic context (GRCh38, chr2:165,912,612, plus strand): 5'-TTTTGCTTGCCAATGTTCCATCTTTCGGGTTCTGATTTAATGCTTGCTCATATGCTACTA[T>C]GGCTTCTTCAGGCTAATATTGCCAGACACAAAAAATAAGCAATAAAAAATAGCATAACTG-3'
Protein context (NP_079029.3, residues 732-752): YMNILEPEEA[Ile742Val]VAYEQALNQN

ClinVar aggregate classification (germline): Uncertain significance. Review status: criteria provided, multiple submitters, no conflicts (2 of 4 stars). 3 submissions from 3 submitters: Uncertain significance (3). Last evaluated 2026-08-28.

Conditions:
TTC21B-related disorder. Also called: TTC21B-related disorders; TTC21B-related condition.
Nephronophthisis. Also called: Juvenile Nephronophthisis. Identifiers: Orphanet 655, MedGen C0687120, MONDO:0019005, HP:0000090.
Jeune thoracic dystrophy. Also called: Jeune syndrome; Infantile thoracic dystrophy; Thoracic pelvic phalangeal dystrophy; Jeune's syndrome; Chondroectodermal dysplasia-like syndrome; Short-rib thoracic dysplasia. Identifiers: Orphanet 474, MedGen C0265275, MONDO:0018770.
Inborn genetic diseases. Identifiers: MedGen C0950123, MeSH D030342.

Allele frequency attached by ClinVar (database versions not stated): gnomAD exomes 0.00001; ExAC 0.00002; gnomAD 0.00004 and 0.00005; TOPMed 0.00005; ESP Exome Variant Server 0.00015.
gnomAD v4.1: 17 of 1,613,938 alleles (0.0011%); highest among the groups gnomAD compares: African/African-American, 0.02%; no homozygotes.

Submissions (3):

PreventionGenetics, part of Exact Sciences
Classification: Uncertain significance for TTC21B-related condition. Last evaluated: 2026-08-28. Review status: criteria provided, single submitter. Criteria: ACMG Guidelines, 2015. Collection method: clinical testing. Allele origin: germline.
Comment: The TTC21B c.2224A>G variant is predicted to result in the amino acid substitution p.Ile742Val. To our knowledge, this variant has not been reported in the literature. This variant is reported in 0.012% of alleles in individuals of African descent in gnomAD. At this time, the clinical significance of this variant is uncertain due to the absence of conclusive functional and genetic evidence.

Labcorp Genetics (formerly Invitae), Labcorp
Classification: Uncertain significance for Jeune thoracic dystrophy; Nephronophthisis. Last evaluated: 2025-09-15. Review status: criteria provided, single submitter. Criteria: Invitae Variant Classification Sherloc (09022015). Collection method: clinical testing. Allele origin: germline.
Comment: This sequence change replaces isoleucine, which is neutral and non-polar, with valine, which is neutral and non-polar, at codon 742 of the TTC21B protein (p.Ile742Val). This variant is present in population databases (rs147222434, gnomAD 0.01%). This variant has not been reported in the literature in individuals affected with TTC21B-related conditions. ClinVar contains an entry for this variant (Variation ID: 1445459). Invitae Evidence Modeling of protein sequence and biophysical properties (such as structural, functional, and spatial information, amino acid conservation, physicochemical variation, residue mobility, and thermodynamic stability) indicates that this missense variant is not expected to disrupt TTC21B protein function with a negative predictive value of 95%. In summary, the available evidence is currently insufficient to determine the role of this variant in disease. Therefore, it has been classified as a Variant of Uncertain Significance.

Ambry Genetics
Classification: Uncertain significance for Inborn genetic diseases. Last evaluated: 2024-10-29. Review status: criteria provided, single submitter. Criteria: Ambry Variant Classification Scheme 2023. Collection method: clinical testing. Allele origin: germline.